The following is an entry in ClinVar:

NM_001042492.3(NF1):c.1818C>A (p.Cys606Ter)

Gene: NF1 (neurofibromin 1; plus strand). Cytogenetic location: 17q11.2.
Variant type: single nucleotide variant.
Coding change: c.1818C>A on transcript NM_001042492.3 (MANE Select); coding-DNA position 1818, C replaced by A.
Protein change: p.Cys606Ter; replaces cysteine 606 with a stop codon.
Molecular consequence: nonsense.
Genome position (GRCh38, 1-based): chr17:31,223,540, C>A. VCF-style: chr17-31223540-C-A. GRCh37 (hg19) VCF-style: chr17-29550558-C-A.
Other names: c.1818C>A, p.Cys606Ter (NM_000267.4); short protein forms C606*.
Identifiers: ClinVar variation 572601 (VCV000572601.8), dbSNP rs1567845937, ClinGen allele CA399004543.
Genomic context (GRCh38, chr17:31,223,540, plus strand): 5'-TAGTCATCAAATGCTTAGTAGCACAGAAATTCTCAAGTGGTTGCGGGAAATATTGATCTG[C>A]AGGAATAAATTTCTTCTTAAAAATAAGGTAAGCAAAATGACATATTTAAAAAATGGAAGA-3'

ClinVar aggregate classification (germline): Pathogenic. Review status: criteria provided, multiple submitters, no conflicts (2 of 4 stars). 2 submissions from 2 submitters: Pathogenic (2). Last evaluated 2022-08-09.

Conditions:
Cardiovascular phenotype. Identifiers: MedGen CN230736.
Hereditary cancer-predisposing syndrome. Also called: Hereditary neoplastic syndrome; Neoplastic Syndromes, Hereditary; Hereditary Cancer Syndrome; Tumor predisposition. Identifiers: Orphanet 140162, MedGen C0027672, MeSH D009386, MONDO:0015356.
Neurofibromatosis, type 1 (NF1). Also called: Peripheral type neurofibromatosis; VON RECKLINGHAUSEN DISEASE; Neurofibromatosis, type I; NEUROFIBROMATOSIS, TYPE I, SOMATIC. Identifiers: Orphanet 636, MedGen C0027831, MONDO:0018975, OMIM 162200. Disease mechanism: loss of function.

Submissions (2):

Ambry Genetics
Classification: Pathogenic for Cardiovascular phenotype; Hereditary cancer-predisposing syndrome. Last evaluated: 2022-08-09. Review status: criteria provided, single submitter. Criteria: Ambry Variant Classification Scheme 2023. Collection method: clinical testing. Allele origin: germline.
Comment: The p.C606* pathogenic mutation (also known as c.1818C>A), located in coding exon 16 of the NF1 gene, results from a C to A substitution at nucleotide position 1818. This changes the amino acid from a cysteine to a stop codon within coding exon 16. This alteration has been observed in at least one individual with a personal and/or family history that is consistent with neurofibromatosis type 1 (NF1) (Ambry internal data). This variant is considered to be rare based on population cohorts in the Genome Aggregation Database (gnomAD). This alteration is expected to result in loss of function by premature protein truncation or nonsense-mediated mRNA decay. As such, this alteration is interpreted as a disease-causing mutation.

Labcorp Genetics (formerly Invitae), Labcorp
Classification: Pathogenic for Neurofibromatosis, type 1. Last evaluated: 2020-01-11. Review status: criteria provided, single submitter. Criteria: Invitae Variant Classification Sherloc (09022015). Collection method: clinical testing. Allele origin: germline.
Comment: This variant is not present in population databases (ExAC no frequency). For these reasons, this variant has been classified as Pathogenic. Loss-of-function variants in NF1 are known to be pathogenic (PMID: 10712197, 23913538). This variant has not been reported in the literature in individuals with NF1-related conditions. ClinVar contains an entry for this variant (Variation ID: 572601). This sequence change creates a premature translational stop signal (p.Cys606*) in the NF1 gene. It is expected to result in an absent or disrupted protein product.

Literature cited by the submitters: PubMed 10712197 (cited by Labcorp Genetics (formerly Invitae), Labcorp); PubMed 23913538 (cited by Labcorp Genetics (formerly Invitae), Labcorp).